The following is an entry in ClinVar:

NM_000268.4(NF2):c.947T>G (p.Leu316Trp)

Gene: NF2 (NF2, moesin-ezrin-radixin like (MERLIN) tumor suppressor; plus strand). Cytogenetic location: 22q12.2.
Variant type: single nucleotide variant.
Coding change: c.947T>G on transcript NM_000268.4 (MANE Select); coding-DNA position 947, T replaced by G.
Protein change: p.Leu316Trp; replaces leucine 316 with tryptophan.
Molecular consequence: missense variant. On other transcripts: non-coding transcript variant (1), intron variant (1).
Genome position (GRCh38, 1-based): chr22:29,668,394, T>G. VCF-style: chr22-29668394-T-G. GRCh37 (hg19) VCF-style: chr22-30064383-T-G.
Other names: c.947T>G, p.Leu316Trp (NM_016418.5, NM_181825.3, NM_181832.3); c.821T>G, p.Leu274Trp (NM_181828.3); c.824T>G, p.Leu275Trp (NM_181829.3); c.698T>G, p.Leu233Trp (NM_181830.3, NM_181831.3); c.447+26109T>G (NM_181833.3); c.947T>G (NM_181832.2); short protein forms L316W, L274W, L233W, L275W.
Identifiers: ClinVar variation 380975 (VCV000380975.29), dbSNP rs750633919, ClinGen allele CA035949.

ClinVar aggregate classification (germline): Conflicting classifications of pathogenicity. Review status: criteria provided, conflicting classifications (1 of 4 stars). 13 submissions from 13 submitters: Uncertain significance (8); Benign (1); Likely benign (4). Last evaluated 2026-06-10.

Conditions:
NF2-related disorder. Also called: NF2-related condition.
Hereditary cancer. Identifiers: MedGen C1333600.
Neurofibromatosis, type 2 (SWNV). Also called: BILATERAL ACOUSTIC NEUROFIBROMATOSIS; NF2-Related Schwannomatosis; SCHWANNOMATOSIS, VESTIBULAR. Identifiers: Orphanet 637, MedGen C0027832, MONDO:0007039, OMIM 101000. Disease mechanism: loss of function.
Familial meningioma. Also called: Meningioma, familial, susceptibility to. Identifiers: Orphanet 263662, MedGen C3551915, MONDO:0011789, OMIM 607174.
Hereditary cancer-predisposing syndrome. Also called: Neoplastic Syndromes, Hereditary; Tumor predisposition; Hereditary Cancer Syndrome; Hereditary neoplastic syndrome. Identifiers: Orphanet 140162, MedGen C0027672, MeSH D009386, MONDO:0015356.

Allele frequency attached by ClinVar (database versions not stated): ExAC 0.00002; gnomAD exomes 0.00002 and 0.00003; gnomAD 0.00005; TOPMed 0.00006.
gnomAD v4.1: 44 of 1,613,858 alleles (0.0027%); highest among the groups gnomAD compares: Admixed American, 0.018%; no homozygotes.

Submissions (13):

PreventionGenetics, part of Exact Sciences
Classification: Uncertain significance for NF2-related condition. Last evaluated: 2026-06-10. Review status: criteria provided, single submitter. Criteria: ACMG Guidelines, 2015. Collection method: clinical testing. Allele origin: germline.
Comment: The NF2 c.947T>G variant is predicted to result in the amino acid substitution p.Leu316Trp. This variant has been reported in an individual with bilateral vestibular schwannomas (Table 3, Ahronowitz et al. 2007. PubMed ID: 16983642). This variant was also observed as variant of uncertain significance in an individual with breast cancer (Table S3, Guindalini et al. 2022. PubMed ID: 35264596). Experimental studies using a yeast two-hybrid screen indicate p.Leu316Trp does not affect the binding interaction between the protein encoded by NF2 (Merlin) and a cell cycle regulator, HEI10 (Grönholm et al. 2006. PubMed ID: 16532029). This variant is reported in 0.017% of alleles in individuals of Latino descent in gnomAD and is interpreted as uncertain significance in ClinVar. At this time, the clinical significance of this variant is uncertain due to the absence of conclusive functional and genetic evidence.

Dasa
Classification: Uncertain significance. Last evaluated: 2026-04-01. Review status: criteria provided, single submitter. Criteria: DASA Assertion Criteria. Collection method: clinical testing. Allele origin: germline.
Comment: NM_000268.4(NF2):c.947T>G (p.Leu316Trp) is a missense variant that results in the substitution of leucine with tryptophan. Multiple computational predictions support a deleterious effect on the gene or gene product. The variant is present at low frequency in population datasets. Based on the available data, this variant is classified as variant of uncertain significance.

Labcorp Genetics (formerly Invitae), Labcorp
Classification: Likely benign for Neurofibromatosis, type 2. Last evaluated: 2026-01-15. Review status: criteria provided, single submitter. Criteria: Invitae Variant Classification Sherloc (09022015). Collection method: clinical testing. Allele origin: germline.

Women's Health and Genetics/Laboratory Corporation of America, LabCorp
Classification: Likely benign. Last evaluated: 2024-12-20. Review status: criteria provided, single submitter. Criteria: LabCorp Variant Classification Summary - May 2015. Collection method: clinical testing. Allele origin: germline.
Comment: Variant summary: NF2 c.947T>G (p.Leu316Trp) results in a non-conservative amino acid change in the encoded protein sequence. Five of five in-silico tools predict a damaging effect of the variant on protein function. The variant allele was found at a frequency of 2.7e-05 in 1613858 control chromosomes. The observed variant frequency is approximately 2.7-fold of the estimated maximal expected allele frequency for a pathogenic variant in NF2 causing Neurofibromatosis, type 2 phenotype (1e-05), suggesting the variant may be benign. c.947T>G has been reported in the literature in at least one individual affected with Neurofibromatosis, type 2 and one individual affected with breast cancer, both without evidence of causality (e.g. Ahronowitz_2007, Guindalini_2022). These reports do not provide unequivocal conclusions about association of the variant with Neurofibromatosis, type 2. Two publications report experimental evidence evaluating an impact on protein function, showing the variant does not impair binding with targeted proteins involved in cell-cycle regulation or growth supression, however, additional evidence is needed to determine the role of these interactions in disease (e.g. Gronholm_2006, Roehrig_2021). The following publications have been ascertained in the context of this evaluation (PMID: 16983642, 16532029, 35264596, 34424918). ClinVar contains an entry for this variant (Variation ID: 380975). Based on the evidence outlined above, the variant was classified as likely benign.

Clinical Genomics Laboratory, Washington University in St. Louis
Classification: Uncertain significance for Neurofibromatosis, type 2. Last evaluated: 2024-11-22. Review status: criteria provided, single submitter. Criteria: ACMG Guidelines, 2015. Collection method: clinical testing. Allele origin: germline.
Comment: An NF2 c.947T>G (p.Leu316Trp) variant was identified at a near heterozygous allelic fraction of 49.5%, a frequency which may be consistent with germline origin. This variant has been reported in the literature in a germline state in an individual with bilateral vestibular schwannomas (Ahronowitz I et al., PMID: 16983642) and in two Brazilian individuals with breast cancer (Guindalini RSC et al., PMID: 35264596). It has been reported in the ClinVar database as a germline variant of uncertain significance by four submitters, likely benign by one submitter and benign by one submitter (ClinVar Variation ID: 380975). The NF2 c.947T>G (p.Leu316Trp) variant is observed on 44/1,613,858 alleles in the general population (gnomAD v.4.1.0). Functional studies performed did not indicate a difference in binding with the p.Leu316Trp variant (Grönholm M et al., PMID: 16532029). Computational predictors indicate that the variant is damaging, evidence that correlates with impact to NF2 function. Due to conflicting information, and based on ACMG/AMP guidelines for variant interpretation (Richards S et al., PMID: 25741868), the clinical significance of this variant is uncertain at this time.

Mendelics
Classification: Likely benign for Hereditary cancer. Last evaluated: 2024-09-11. Review status: criteria provided, single submitter. Criteria: ACMG Guidelines, 2015. Collection method: clinical testing. Allele origin: unknown.
Comment: This variant is considered likely benign or benign based on one or more of the following: it is predicted to be benign by multiple in silico algorithms, and/or has population frequency not consistent with disease, and/or has normal protein function, and/or has lack of segregation with disease, and/or has been detected in co-occurrence with known pathogenic variant, and/or has lack of disease association in case-control studies, and/or is located in a region inconsistent with a known cause of pathogenicity.

Blueprint Genetics
Classification: Likely benign. Last evaluated: 2024-08-21. Review status: criteria provided, single submitter. Criteria: ACMG Guidelines, 2015. Collection method: clinical testing. Allele origin: germline.

GeneDx
Classification: Uncertain significance. Last evaluated: 2024-07-12. Review status: criteria provided, single submitter. Criteria: GeneDx Variant Classification Process June 2021. Collection method: clinical testing. Allele origin: germline. Affected: yes.
Comment: In silico analysis supports that this missense variant has a deleterious effect on protein structure/function; Published functional studies demonstrate no damaging effect on interaction with HEI10 (PMID: 16532029); This variant is associated with the following publications: (PMID: 16324214, 11756419, 17134719, 22482125, 35264596, 16983642, 16532029, 35332608)

All of Us Research Program, National Institutes of Health
Classification: Uncertain significance for Neurofibromatosis, type 2. Last evaluated: 2024-06-11. Review status: criteria provided, single submitter. Criteria: ACMG Guidelines, 2015. Collection method: clinical testing. Allele origin: germline. Inheritance: Autosomal dominant inheritance. Observed: 7 variant alleles, 7 heterozygotes.
Comment: This missense variant replaces leucine with tryptophan at codon 316 of the NF2 protein. Computational prediction suggests that this variant may have deleterious impact on protein structure and function (internally defined REVEL score threshold >= 0.7, PMID: 27666373). A functional study has reported that this variant does not impact interaction with HEI10, a cell cycle regulator, in a yeast two-hybrid assay (PMID: 16532029). This variant has been reported in an individual affected with bilateral vestibular schwannomas (PMID: 16983642). This variant has been identified in 8/282878 chromosomes in the general population by the Genome Aggregation Database (gnomAD). The available evidence is insufficient to determine the role of this variant in disease conclusively. Therefore, this variant is classified as a Variant of Uncertain Significance.

This study involves interpretation of variants in research participants for the purpose of population health screening. Participant phenotype was not available at the time of variant classification. Additional details can be found in publication PMID: 35346344, PMCID: PMC8962531

Fulgent Genetics
Classification: Uncertain significance for Neurofibromatosis, type 2; Familial meningioma. Last evaluated: 2024-03-07. Review status: criteria provided, single submitter. Criteria: ACMG Guidelines, 2015. Collection method: clinical testing. Allele origin: germline.

Color Diagnostics, LLC DBA Color Health
Classification: Uncertain significance for Neurofibromatosis, type 2. Last evaluated: 2023-09-27. Review status: criteria provided, single submitter. Criteria: ACMG Guidelines, 2015. Collection method: clinical testing. Allele origin: germline.
Comment: This missense variant replaces leucine with tryptophan at codon 316 of the NF2 protein. Computational prediction suggests that this variant may have deleterious impact on protein structure and function. A functional study has reported that this variant does not impact interaction with HEI10, a cell cycle regulator, in a yeast two-hybrid assay (PMID: 16532029). This variant has been reported in an individual affected with bilateral vestibular schwannomas (PMID: 16983642). This variant has been identified in 8/282878 chromosomes in the general population by the Genome Aggregation Database (gnomAD). The available evidence is insufficient to determine the role of this variant in disease conclusively. Therefore, this variant is classified as a Variant of Uncertain Significance.

Genome-Nilou Lab
Classification: Uncertain significance for Neurofibromatosis, type 2. Last evaluated: 2021-11-07. Review status: criteria provided, single submitter. Criteria: ACMG Guidelines, 2015. Collection method: clinical testing. Allele origin: germline. Affected: no.

Ambry Genetics
Classification: Benign for Hereditary cancer-predisposing syndrome. Last evaluated: 2021-08-06. Review status: criteria provided, single submitter. Criteria: Ambry Variant Classification Scheme 2023. Collection method: clinical testing. Allele origin: germline.

Literature cited by the submitters: PubMed 35264596 (cited by Women's Health and Genetics/Laboratory Corporation of America, LabCorp); PubMed 16983642 (cited by 4 submitters); PubMed 16532029 (cited by 4 submitters); PubMed 34424918 (cited by Women's Health and Genetics/Laboratory Corporation of America, LabCorp); PubMed 11756419 (cited by Ambry Genetics).